The following is an entry in ClinVar:

ClinVar aggregate classification (germline): Uncertain significance. Review status: criteria provided, multiple submitters, no conflicts (2 of 4 stars). 3 submissions from 3 submitters: Uncertain significance (3). Last evaluated 2025-04-23.

Conditions:
Inborn genetic diseases. Identifiers: MedGen C0950123, MeSH D030342.

Allele frequency attached by ClinVar (database versions not stated): gnomAD exomes 0.00004; gnomAD 0.00006 and 0.00007; ExAC 0.00008; ESP Exome Variant Server 0.00008; 1000 Genomes Project 0.00020; 1000 Genomes Project 30x 0.00031.
gnomAD v4.1: 72 of 1,612,016 alleles (0.0045%); highest among the groups gnomAD compares: Middle Eastern, 0.033%; no homozygotes.

Submissions (3):

Labcorp Genetics (formerly Invitae), Labcorp
Classification: Uncertain significance. Last evaluated: 2025-04-23. Review status: criteria provided, single submitter. Criteria: Invitae Variant Classification Sherloc (09022015). Collection method: clinical testing. Allele origin: germline.
Comment: This sequence change replaces alanine, which is neutral and non-polar, with glutamic acid, which is acidic and polar, at codon 196 of the GRID2 protein (p.Ala196Glu). This variant is present in population databases (rs192450353, gnomAD 0.01%). This variant has not been reported in the literature in individuals affected with GRID2-related conditions. ClinVar contains an entry for this variant (Variation ID: 1331258). Invitae Evidence Modeling of protein sequence and biophysical properties (such as structural, functional, and spatial information, amino acid conservation, physicochemical variation, residue mobility, and thermodynamic stability) indicates that this missense variant is not expected to disrupt GRID2 protein function with a negative predictive value of 80%. In summary, the available evidence is currently insufficient to determine the role of this variant in disease. Therefore, it has been classified as a Variant of Uncertain Significance.

Ambry Genetics
Classification: Uncertain significance for Inborn genetic diseases. Last evaluated: 2024-07-22. Review status: criteria provided, single submitter. Criteria: Ambry Variant Classification Scheme 2023. Collection method: clinical testing. Allele origin: germline.

GeneDx
Classification: Uncertain significance. Last evaluated: 2021-06-26. Review status: criteria provided, single submitter. Criteria: GeneDx Variant Classification Process June 2021. Collection method: clinical testing. Allele origin: germline. Affected: yes.
Comment: Not observed at significant frequency in large population cohorts (Lek et al., 2016); In silico analysis supports that this missense variant does not alter protein structure/function; Has not been previously published as pathogenic or benign to our knowledge; This variant is associated with the following publications: (PMID: 27418511, 27535533)

NM_001510.4(GRID2):c.587C>A (p.Ala196Glu)

Gene: GRID2 (glutamate ionotropic receptor delta type subunit 2; plus strand). Cytogenetic location: 4q22.2.
Variant type: single nucleotide variant.
Coding change: c.587C>A on transcript NM_001510.4 (MANE Select); coding-DNA position 587, C replaced by A.
Protein change: p.Ala196Glu; replaces alanine 196 with glutamic acid.
Molecular consequence: missense variant.
Genome position (GRCh38, 1-based): chr4:93,110,805, C>A. VCF-style: chr4-93110805-C-A. GRCh37 (hg19) VCF-style: chr4-94031956-C-A.
Other names: c.302C>A, p.Ala101Glu (NM_001286838.1); c.587C>A (NM_001510.2); short protein forms A101E, A196E.
Identifiers: ClinVar variation 1331258 (VCV001331258.4), dbSNP rs192450353, ClinGen allele CA3012003.